The following is an entry in ClinVar:

NM_138927.4(SON):c.2714T>C (p.Met905Thr)

Gene: SON (SON DNA and RNA binding protein; plus strand). Cytogenetic location: 21q22.11.
Variant type: single nucleotide variant.
Coding change: c.2714T>C on transcript NM_138927.4 (MANE Select); coding-DNA position 2714, T replaced by C.
Protein change: p.Met905Thr; replaces methionine 905 with threonine.
Molecular consequence: missense variant. On other transcripts: non-coding transcript variant (1), intron variant (1).
Genome position (GRCh38, 1-based): chr21:33,551,945, T>C. VCF-style: chr21-33551945-T-C. GRCh37 (hg19) VCF-style: chr21-34924251-T-C.
Other names: c.2714T>C, p.Met905Thr (NM_001291411.2, NM_032195.3); c.245-5211T>C (NM_001291412.3); short protein forms M905T.
Identifiers: ClinVar variation 3902552 (VCV003902552.1).

ClinVar aggregate classification (germline): Uncertain significance (1 of 4 stars; one submission).

Submission:

Women's Health and Genetics/Laboratory Corporation of America, LabCorp
Classification: Uncertain significance. Last evaluated: 2025-05-02. Review status: criteria provided, single submitter. Criteria: LabCorp Variant Classification Summary - May 2015. Collection method: clinical testing. Allele origin: germline.
Comment: Variant summary: SON c.2714T>C (p.Met905Thr) results in a non-conservative amino acid change in the encoded protein sequence. Algorithms developed to predict the effect of missense changes on protein structure and function are either unavailable or do not agree on the potential impact of this missense change. The variant was absent in 251352 control chromosomes. The available data on variant occurrences in the general population are insufficient to allow any conclusion about variant significance. To our knowledge, no occurrence of c.2714T>C in individuals affected with ZTTK Syndrome and no experimental evidence demonstrating its impact on protein function have been reported. No submitters have cited clinical-significance assessments for this variant to ClinVar. Based on the evidence outlined above, the variant was classified as uncertain significance.